The following is an entry in ClinVar:

ClinVar aggregate classification (germline): Pathogenic. Review status: criteria provided, multiple submitters, no conflicts (2 of 4 stars). 2 submissions from 2 submitters: Pathogenic (2). Last evaluated 2023-05-15.

Conditions:
Cystic fibrosis (CF). Also called: MUCOVISCIDOSIS. Identifiers: Orphanet 586, MedGen C0010674, MONDO:0009061, OMIM 219700. Disease mechanism: loss of function.

Submissions (2):

Labcorp Genetics (formerly Invitae), Labcorp
Classification: Pathogenic for Cystic fibrosis. Last evaluated: 2023-05-15. Review status: criteria provided, single submitter. Criteria: Invitae Variant Classification Sherloc (09022015). Collection method: clinical testing. Allele origin: germline.
Comment: For these reasons, this variant has been classified as Pathogenic. ClinVar contains an entry for this variant (Variation ID: 618942). This variant has not been reported in the literature in individuals affected with CFTR-related conditions. This variant is not present in population databases (gnomAD no frequency). This sequence change creates a premature translational stop signal (p.Asn187Thrfs*2) in the CFTR gene. It is expected to result in an absent or disrupted protein product. Loss-of-function variants in CFTR are known to be pathogenic (PMID: 1695717, 7691345, 9725922).

Mendelics
Classification: Pathogenic for Cystic fibrosis. Last evaluated: 2018-11-05. Review status: criteria provided, single submitter. Criteria: Mendelics Assertion Criteria 2017. Collection method: clinical testing. Allele origin: unknown. Affected: yes.

Literature cited by the submitters: PubMed 1695717 (cited by Labcorp Genetics (formerly Invitae), Labcorp); PubMed 7691345 (cited by Labcorp Genetics (formerly Invitae), Labcorp); PubMed 9725922 (cited by Labcorp Genetics (formerly Invitae), Labcorp).

NM_000492.4(CFTR):c.560del (p.Asn187fs)

Gene: CFTR (CF transmembrane conductance regulator; plus strand). Cytogenetic location: 7q31.2.
Variant type: Deletion.
Coding change: c.560del on transcript NM_000492.4 (MANE Select); coding-DNA position 560, one base deleted (A; older notation c.560delA).
Protein change: p.Asn187fs; shifts the reading frame from asparagine 187.
Molecular consequence: frameshift variant.
Genome position (GRCh38, 1-based): chr7:117,534,346, A deleted; the last of 2 consecutive A bases (chr7:117,534,345-117,534,346); deleting either gives the same sequence. VCF-style (leftmost placement, unchanged base first): chr7-117534344-CA-C. GRCh37 (hg19) VCF-style: chr7-117174398-CA-C.
Other names: short protein forms N187fs.
Identifiers: ClinVar variation 618942 (VCV000618942.5), dbSNP rs1562890223, ClinGen allele CA913189989.